The following is an entry in ClinVar:

ClinVar aggregate classification (germline): Uncertain significance (1 of 4 stars; one submission).

Conditions:
Autosomal dominant nonsyndromic hearing loss 1. Also called: DEAFNESS, AUTOSOMAL DOMINANT 1, WITH OR WITHOUT THROMBOCYTOPENIA; KONIGSMARK SYNDROME. Identifiers: Orphanet 90635, MedGen C1852282, MONDO:0007424, OMIM 124900.
Progressive microcephaly-seizures-cortical blindness-developmental delay syndrome. Also called: Seizures, cortical blindness, and microcephaly syndrome. Identifiers: Orphanet 477814, MedGen C5567650, MONDO:0014714, OMIM 616632.

Allele frequency attached by ClinVar (database versions not stated): gnomAD 0.00001; gnomAD exomes 0.00001 and 0.00002; TOPMed 0.00002; ExAC 0.00003; ESP Exome Variant Server 0.00008.
gnomAD v4.1: 6 of 1,603,482 alleles (0.00037%); highest among the groups gnomAD compares: African/African-American, 0.0027%; no homozygotes.

Submission:

Labcorp Genetics (formerly Invitae), Labcorp
Classification: Uncertain significance for Progressive microcephaly-seizures-cortical blindness-developmental delay syndrome; Autosomal dominant nonsyndromic hearing loss 1. Last evaluated: 2025-07-14. Review status: criteria provided, single submitter. Criteria: Invitae Variant Classification Sherloc (09022015). Collection method: clinical testing. Allele origin: germline.
Comment: This sequence change replaces proline, which is neutral and non-polar, with serine, which is neutral and polar, at codon 599 of the DIAPH1 protein (p.Pro599Ser). This variant is present in population databases (rs372170639, gnomAD 0.007%). This variant has not been reported in the literature in individuals affected with DIAPH1-related conditions. ClinVar contains an entry for this variant (Variation ID: 1443720). An algorithm developed to predict the effect of missense changes on protein structure and function outputs the following: PolyPhen-2: "Not Available". The serine amino acid residue is found in multiple mammalian species, which suggests that this missense change does not adversely affect protein function. In summary, the available evidence is currently insufficient to determine the role of this variant in disease. Therefore, it has been classified as a Variant of Uncertain Significance.

NM_005219.5(DIAPH1):c.1795C>T (p.Pro599Ser)

Gene: DIAPH1 (diaphanous related formin 1; minus strand). Cytogenetic location: 5q31.3.
Variant type: single nucleotide variant.
Coding change: c.1795C>T on transcript NM_005219.5 (MANE Select); coding-DNA position 1795, C replaced by T.
Protein change: p.Pro599Ser; replaces proline 599 with serine.
Molecular consequence: missense variant.
Genome position (GRCh38, 1-based): chr5:141,574,055, G>A on the plus strand (C>T on the coding strand, the complement: DIAPH1 is on the minus strand). VCF-style: chr5-141574055-G-A. GRCh37 (hg19) VCF-style: chr5-140953622-G-A.
Other names: c.1768C>T, p.Pro590Ser (NM_001079812.3); c.1795C>T, p.Pro599Ser (NM_001314007.2); short protein forms P590S, P599S.
Identifiers: ClinVar variation 1443720 (VCV001443720.9), dbSNP rs372170639, ClinGen allele CA3479212.